The following is an entry in ClinVar:

ClinVar aggregate classification (germline): Benign/Likely benign. Review status: criteria provided, multiple submitters, no conflicts (2 of 4 stars). 4 submissions from 4 submitters: Benign (1); Likely benign (3). Last evaluated 2025-03-31.

Conditions:
TOPORS-related disorder. Also called: TOPORS-related condition.
Retinal dystrophy. Also called: Inherited retinal dystrophy. Identifiers: Orphanet 71862, MedGen C0854723, MeSH D058499, MONDO:0019118, HP:0000556.

Allele frequency attached by ClinVar (database versions not stated): gnomAD exomes 0.00002; TOPMed 0.00003; gnomAD 0.00007 and 0.00008.
gnomAD v4.1: 36 of 1,613,374 alleles (0.0022%); highest among the groups gnomAD compares: African/African-American, 0.013%; no homozygotes.

Submissions (4):

PreventionGenetics, part of Exact Sciences
Classification: Likely benign for TOPORS-related condition. Last evaluated: 2025-03-31. Review status: criteria provided, single submitter. Criteria: ACMG Guidelines, 2015. Collection method: clinical testing. Allele origin: germline.
Comment: This variant is classified as likely benign based on ACMG/AMP sequence variant interpretation guidelines (Richards et al. 2015 PMID: 25741868, with internal and published modifications).

Dept Of Ophthalmology, Nagoya University
Classification: Benign for Retinal dystrophy. Last evaluated: 2023-10-01. Review status: criteria provided, single submitter. Criteria: Submitter's publication. Collection method: research. Allele origin: germline. Affected: yes.

Labcorp Genetics (formerly Invitae), Labcorp
Classification: Likely benign. Last evaluated: 2022-12-12. Review status: criteria provided, single submitter. Criteria: Invitae Variant Classification Sherloc (09022015). Collection method: clinical testing. Allele origin: germline.

Blueprint Genetics
Classification: Likely benign. Last evaluated: 2022-03-11. Review status: criteria provided, single submitter. Criteria: ACMG Guidelines, 2015. Collection method: clinical testing. Allele origin: germline.

NM_005802.5(TOPORS):c.1296C>T (p.His432=)

Gene: TOPORS (TOP1 binding arginine/serine rich protein, E3 ubiquitin ligase; minus strand). Cytogenetic location: 9p21.1.
Variant type: single nucleotide variant.
Coding change: c.1296C>T on transcript NM_005802.5 (MANE Select); coding-DNA position 1296, C replaced by T.
Protein change: p.His432=; no amino-acid change (histidine 432 retained).
Molecular consequence: synonymous variant.
Genome position (GRCh38, 1-based): chr9:32,543,229, G>A on the plus strand (C>T on the coding strand, the complement: TOPORS is on the minus strand). VCF-style: chr9-32543229-G-A. GRCh37 (hg19) VCF-style: chr9-32543227-G-A.
Other names: c.1296C>T (NM_005802.4); c.1101C>T, p.His367= (NM_001195622.2).
Identifiers: ClinVar variation 1619065 (VCV001619065.11), dbSNP rs1241988360, ClinGen allele CA464585544.